The following is an entry in ClinVar:

NM_007294.4(BRCA1):c.5360G>T (p.Cys1787Phe)

Gene: BRCA1 (BRCA1 DNA repair associated; minus strand). Cytogenetic location: 17q21.31.
Variant type: single nucleotide variant.
Coding change: c.5360G>T on transcript NM_007294.4 (MANE Select); coding-DNA position 5360, G replaced by T.
Protein change: p.Cys1787Phe; replaces cysteine 1787 with phenylalanine.
Molecular consequence: missense variant. On other transcripts: non-coding transcript variant (1), intron variant (1).
Genome position (GRCh38, 1-based): chr17:43,049,167, C>A on the plus strand (G>T on the coding strand, the complement: BRCA1 is on the minus strand). VCF-style: chr17-43049167-C-A. GRCh37 (hg19) VCF-style: chr17-41201184-C-A.
Other names: c.5147G>T, p.Cys1716Phe (NM_001407571.1, NM_001407900.1, NM_001407902.1 and 12 more transcripts); c.5426G>T, p.Cys1809Phe (NM_001407581.1, NM_001407582.1); c.5423G>T, p.Cys1808Phe (NM_001407583.1, NM_001407585.1, NM_001407587.1 and 1 more transcripts); c.5420G>T, p.Cys1807Phe (NM_001407590.1, NM_001407591.1); c.5360G>T, p.Cys1787Phe (NM_001407593.1, NM_001407594.1, NM_001407596.1 and 5 more transcripts); c.5357G>T, p.Cys1786Phe (NM_001407610.1, NM_001407611.1, NM_001407612.1 and 14 more transcripts); c.5354G>T, p.Cys1785Phe (NM_001407627.1, NM_001407628.1, NM_001407629.1 and 13 more transcripts); c.5351G>T, p.Cys1784Phe (NM_001407644.1, NM_001407645.1); and 73 more; short protein forms C683F, C1740F, C1787F, C1808F, C1618F, C1633F, C1660F, C1676F.
Identifiers: ClinVar variation 865658 (VCV000865658.3), dbSNP rs1597801649, ClinGen allele CA10590744.

Conditions:
Breast-ovarian cancer, familial, susceptibility to, 1 (BROVCA1). Also called: BRCA1 Hereditary Breast and Ovarian Cancer; OVARIAN CANCER, SUSCEPTIBILITY TO. Identifiers: Orphanet 145, MedGen C2676676, MONDO:0011450, OMIM 604370. Disease mechanism: loss of function.

Submission:

Brotman Baty Institute, University of Washington
No classification provided (evidence only). Condition: Breast-ovarian cancer, familial 1. Review status: no classification provided. Collection method: in vitro. Allele origin: not applicable. Functional consequence: functionally_normal.
ClinVar note: "not provided" was previously submitted as the classification for the variant. However, the classification appeared to be based only on an observation of functional data so it was converted to no classification on 2025-07-30.